The following is an entry in ClinVar:

NM_001081.4(CUBN):c.5249A>G (p.Asn1750Ser)

Gene: CUBN (cubilin; minus strand). Cytogenetic location: 10p13.
Variant type: single nucleotide variant.
Coding change: c.5249A>G on transcript NM_001081.4 (MANE Select); coding-DNA position 5249, A replaced by G.
Protein change: p.Asn1750Ser; replaces asparagine 1750 with serine.
Molecular consequence: missense variant.
Genome position (GRCh38, 1-based): chr10:16,947,328, T>C on the plus strand (A>G on the coding strand, the complement: CUBN is on the minus strand). VCF-style: chr10-16947328-T-C. GRCh37 (hg19) VCF-style: chr10-16989327-T-C.
Other names: short protein forms N1750S.
Identifiers: ClinVar variation 1931945 (VCV001931945.4), dbSNP rs745926208, ClinGen allele CA5424069.
Genomic context (GRCh38, chr10:16,947,328, plus strand): 5'-CTGACGATGTTCCAGACACATTCCACATTAGGGGGATAAATGTCTGGGTAGCCAGGGCTG[T>C]TGAAGATGCCTTCAGCCATGTAGAACGTTCCACCACAAGCTGGAAGAAAATAGAAATAAA-3'
Protein context (NP_001072.2, residues 1740-1760): GTFYMAEGIF[Asn1750Ser]SPGYPDIYPP

ClinVar aggregate classification (germline): Uncertain significance. Review status: criteria provided, multiple submitters, no conflicts (2 of 4 stars). 2 submissions from 2 submitters: Uncertain significance (2). Last evaluated 2023-09-09.

Conditions:
Inborn genetic diseases. Identifiers: MedGen C0950123, MeSH D030342.
Imerslund-Grasbeck syndrome. Also called: PERNICIOUS ANEMIA, JUVENILE, DUE TO SELECTIVE INTESTINAL MALABSORPTION OF VITAMIN B12, WITH PROTEINURIA; Megaloblastic anemia due to inborn errors of metabolism; Imerslund-Gräsbeck syndrome; ENTEROCYTE COBALAMIN MALABSORPTION; ENTEROCYTE INTRINSIC FACTOR RECEPTOR, DEFECT OF. Identifiers: Orphanet 35858, MedGen C4551825, MONDO:0009853.

Allele frequency attached by ClinVar (database versions not stated): ExAC 0.00001; gnomAD 0.00001; gnomAD exomes 0.00003; TOPMed 0.00004.
gnomAD v4.1: 18 of 1,613,952 alleles (0.0011%); highest among the groups gnomAD compares: Admixed American, 0.027%; no homozygotes.

Submissions (2):

Labcorp Genetics (formerly Invitae), Labcorp
Classification: Uncertain significance for Imerslund-Grasbeck syndrome. Last evaluated: 2023-09-09. Review status: criteria provided, single submitter. Criteria: Invitae Variant Classification Sherloc (09022015). Collection method: clinical testing. Allele origin: germline.
Comment: This variant is present in population databases (rs745926208, gnomAD 0.03%). This sequence change replaces asparagine, which is neutral and polar, with serine, which is neutral and polar, at codon 1750 of the CUBN protein (p.Asn1750Ser). This variant has not been reported in the literature in individuals affected with CUBN-related conditions. ClinVar contains an entry for this variant (Variation ID: 1931945). Advanced modeling of protein sequence and biophysical properties (such as structural, functional, and spatial information, amino acid conservation, physicochemical variation, residue mobility, and thermodynamic stability) performed at Invitae indicates that this missense variant is not expected to disrupt CUBN protein function. In summary, the available evidence is currently insufficient to determine the role of this variant in disease. Therefore, it has been classified as a Variant of Uncertain Significance.

Ambry Genetics
Classification: Uncertain significance for Inborn genetic diseases. Last evaluated: 2021-09-16. Review status: criteria provided, single submitter. Criteria: Ambry Variant Classification Scheme 2023. Collection method: clinical testing. Allele origin: germline.